The following is an entry in ClinVar:

NM_016938.5(EFEMP2):c.279C>T (p.Gly93=)

Gene: EFEMP2 (EGF-like fibulin extracellular matrix protein 2; minus strand). Cytogenetic location: 11q13.1.
Variant type: single nucleotide variant.
Coding change: c.279C>T on transcript NM_016938.5 (MANE Select); coding-DNA position 279, C replaced by T.
Protein change: p.Gly93=; no amino-acid change (glycine 93 retained).
Molecular consequence: synonymous variant. On other transcripts: non-coding transcript variant (1).
Genome position (GRCh38, 1-based): chr11:65,871,245, G>A on the plus strand (C>T on the coding strand, the complement: EFEMP2 is on the minus strand). VCF-style: chr11-65871245-G-A. GRCh37 (hg19) VCF-style: chr11-65638716-G-A.
Identifiers: ClinVar variation 472817 (VCV000472817.9), dbSNP rs769750626, ClinGen allele CA6110730.

ClinVar aggregate classification (germline): Uncertain significance. Review status: criteria provided, multiple submitters, no conflicts (2 of 4 stars). 2 submissions from 2 submitters: Uncertain significance (2). Last evaluated 2024-03-27.

Conditions:
Cardiovascular phenotype. Identifiers: MedGen CN230736.
Cutis laxa, autosomal recessive, type 1B (ARCL1B). Also called: CUTIS LAXA, AUTOSOMAL RECESSIVE, TYPE IB; EFEMP2-Related Cutis Laxa. Identifiers: Orphanet 90349, MedGen C3280798, MONDO:0013754, OMIM 614437. Disease mechanism: loss of function.

Allele frequency attached by ClinVar (database versions not stated): gnomAD exomes 0.00001 and 0.00002; TOPMed 0.00001; ExAC 0.00002; gnomAD 0.00002 and 0.00003.
gnomAD v4.1: 21 of 1,613,930 alleles (0.0013%); highest among the groups gnomAD compares: Middle Eastern, 0.049%; no homozygotes.

Submissions (3):

Ambry Genetics
Classification: Uncertain significance for Cardiovascular phenotype. Last evaluated: 2024-03-27. Review status: criteria provided, single submitter. Criteria: Ambry Variant Classification Scheme 2023. Collection method: clinical testing. Allele origin: germline.
Comment: The c.279C>T variant (also known as p.G93G), located in coding exon 3 of the EFEMP2 gene, results from a C to T substitution at nucleotide position 279. This nucleotide substitution does not change the glycine at codon 93. This nucleotide position is not well conserved in available vertebrate species. In silico splice site analysis predicts that this alteration will result in the creation or strengthening of a novel splice donor site. Based on the available evidence, the clinical significance of this alteration remains unclear.

Labcorp Genetics (formerly Invitae), Labcorp
Classification: Uncertain significance for Cutis laxa, autosomal recessive, type 1B. Last evaluated: 2021-11-18. Review status: criteria provided, single submitter. Criteria: Invitae Variant Classification Sherloc (09022015). Collection method: clinical testing. Allele origin: germline.
Comment: In summary, the available evidence is currently insufficient to determine the role of this variant in disease. Therefore, it has been classified as a Variant of Uncertain Significance. Algorithms developed to predict the effect of sequence changes on RNA splicing suggest that this variant may create or strengthen a splice site. ClinVar contains an entry for this variant (Variation ID: 472817). This variant has not been reported in the literature in individuals affected with EFEMP2-related conditions. This variant is present in population databases (rs769750626, gnomAD 0.01%). This sequence change affects codon 93 of the EFEMP2 mRNA. It is a 'silent' change, meaning that it does not change the encoded amino acid sequence of the EFEMP2 protein.

Dr. Peter K. Rogan Lab, Western University
No classification provided (evidence only). Condition: Malignant tumor of urinary bladder. Review status: no classification provided. Collection method: in vitro. Allele origin: not applicable. Functional consequence: retained intron. Not counted in ClinVar's aggregate classification.